The following is an entry in ClinVar:

NM_022725.4(FANCF):c.1025C>T (p.Pro342Leu)

Genes: FANCF (FA complementation group F; minus strand), LOC130005443 (ATAC-STARR-seq lymphoblastoid active region 4533; plus strand). Cytogenetic location: 11p14.3.
Variant type: single nucleotide variant.
Coding change: c.1025C>T on transcript NM_022725.4 (MANE Select); coding-DNA position 1025, C replaced by T.
Protein change: p.Pro342Leu; replaces proline 342 with leucine.
Molecular consequence: missense variant.
Genome position (GRCh38, 1-based): chr11:22,624,786, G>A on the plus strand (C>T on the coding strand, the complement: FANCF is on the minus strand). VCF-style: chr11-22624786-G-A. GRCh37 (hg19) VCF-style: chr11-22646332-G-A.
Other names: short protein forms P342L.
Identifiers: ClinVar variation 2060679 (VCV002060679.4), dbSNP rs187993131, ClinGen allele CA5924209.
Genomic context (GRCh38, chr11:22,624,786, plus strand): 5'-CTTTTCCTAAATGCACCACTACGAAGAGCTAATAAGAGGTCTGTCCAGATGCTAAGACCA[G>A]GTACTTCAAAATCTCCATCCTGCGCTTTACAGGTCTCCAGGGCAGTTAGAACTTTATCTT-3'
Protein context (NP_073562.1, residues 332-352): CKAQDGDFEV[Pro342Leu]GLSIWTDLLL

ClinVar aggregate classification (germline): Uncertain significance. Review status: criteria provided, multiple submitters, no conflicts (2 of 4 stars). 3 submissions from 3 submitters: Uncertain significance (3). Last evaluated 2025-10-21.

Conditions:
Fanconi anemia (FA). Also called: Fanconi's anemia. Identifiers: Orphanet 84, MedGen C0015625, MeSH D005199, MONDO:0019391.
Inborn genetic diseases. Identifiers: MedGen C0950123, MeSH D030342.

Allele frequency attached by ClinVar (database versions not stated): gnomAD exomes below 0.00001; ExAC 0.00001; gnomAD 0.00001; TOPMed 0.00001.

Submissions (3):

Ambry Genetics
Classification: Uncertain significance for Inborn genetic diseases. Last evaluated: 2025-10-21. Review status: criteria provided, single submitter. Criteria: Ambry Variant Classification Scheme 2023. Collection method: clinical testing. Allele origin: germline.

Blueprint Genetics
Classification: Uncertain significance. Last evaluated: 2023-06-20. Review status: criteria provided, single submitter. Criteria: ACMG Guidelines, 2015. Collection method: clinical testing. Allele origin: germline.

Labcorp Genetics (formerly Invitae), Labcorp
Classification: Uncertain significance for Fanconi anemia. Last evaluated: 2022-05-29. Review status: criteria provided, single submitter. Criteria: Invitae Variant Classification Sherloc (09022015). Collection method: clinical testing. Allele origin: germline.
Comment: This sequence change replaces proline, which is neutral and non-polar, with leucine, which is neutral and non-polar, at codon 342 of the FANCF protein (p.Pro342Leu). In summary, the available evidence is currently insufficient to determine the role of this variant in disease. Therefore, it has been classified as a Variant of Uncertain Significance. Algorithms developed to predict the effect of missense changes on protein structure and function are either unavailable or do not agree on the potential impact of this missense change (SIFT: "Tolerated"; PolyPhen-2: "Possibly Damaging"; Align-GVGD: "Class C0"). This variant has not been reported in the literature in individuals affected with FANCF-related conditions. This variant is present in population databases (rs187993131, gnomAD 0.0009%).